The following is an entry in ClinVar:

ClinVar aggregate classification (germline): Uncertain significance (1 of 4 stars; one submission).

Allele frequency attached by ClinVar (database versions not stated): gnomAD exomes 0.00002 and 0.00004; TOPMed 0.00002; gnomAD 0.00003.
gnomAD v4.1: 50 of 1,475,216 alleles (0.0034%); highest among the groups gnomAD compares: Non-Finnish European, 0.0042%; no homozygotes.

Submission:

Labcorp Genetics (formerly Invitae), Labcorp
Classification: Uncertain significance. Last evaluated: 2022-04-23. Review status: criteria provided, single submitter. Criteria: Invitae Variant Classification Sherloc (09022015). Collection method: clinical testing. Allele origin: germline.
Comment: This sequence change replaces cysteine, which is neutral and slightly polar, with tyrosine, which is neutral and polar, at codon 3 of the ADAMTS18 protein (p.Cys3Tyr). This variant is present in population databases (no rsID available, gnomAD 0.1%). This variant has not been reported in the literature in individuals affected with ADAMTS18-related conditions. ClinVar contains an entry for this variant (Variation ID: 944218). Algorithms developed to predict the effect of missense changes on protein structure and function are either unavailable or do not agree on the potential impact of this missense change (SIFT: "Not Available"; PolyPhen-2: "Benign"; Align-GVGD: "Not Available"). Algorithms developed to predict the effect of sequence changes on RNA splicing suggest that this variant may create or strengthen a splice site. In summary, the available evidence is currently insufficient to determine the role of this variant in disease. Therefore, it has been classified as a Variant of Uncertain Significance.

NM_199355.4(ADAMTS18):c.8G>A (p.Cys3Tyr)

Gene: ADAMTS18 (ADAM metallopeptidase with thrombospondin type 1 motif 18; minus strand). Cytogenetic location: 16q23.1.
Variant type: single nucleotide variant.
Coding change: c.8G>A on transcript NM_199355.4 (MANE Select); coding-DNA position 8, G replaced by A.
Protein change: p.Cys3Tyr; replaces cysteine 3 with tyrosine.
Molecular consequence: missense variant. On other transcripts: 5 prime UTR variant (1).
Genome position (GRCh38, 1-based): chr16:77,434,688, C>T on the plus strand (G>A on the coding strand, the complement: ADAMTS18 is on the minus strand). VCF-style: chr16-77434688-C-T. GRCh37 (hg19) VCF-style: chr16-77468585-C-T.
Other names: c.-513G>A (NM_001326358.2); short protein forms C3Y.
Identifiers: ClinVar variation 944218 (VCV000944218.7), dbSNP rs1189020064, ClinGen allele CA396852013.
Genomic context (GRCh38, chr16:77,434,688, plus strand): 5'-GCCAGGCCCCTCGGCGGGCCCGAACCCGCAGCCGGGAAGGCACACGCGAGCAGGAGGGCG[C>T]ACTCCATGGTCAGGTGCGGACGCGGCGGCTGCGGGTGGCCAGACGCGGCAGGCGGAGCGC-3'
Protein context (NP_955387.1, residues 1-13): ME[Cys3Tyr]ALLLACAFPA